The following is an entry in ClinVar:

NM_020987.5(ANK3):c.9341T>C (p.Val3114Ala)

Gene: ANK3 (ankyrin 3; minus strand). Cytogenetic location: 10q21.2.
Variant type: single nucleotide variant.
Coding change: c.9341T>C on transcript NM_020987.5 (MANE Select); coding-DNA position 9341, T replaced by C.
Protein change: p.Val3114Ala; replaces valine 3114 with alanine.
Molecular consequence: missense variant. On other transcripts: intron variant (4).
Genome position (GRCh38, 1-based): chr10:60,071,540, A>G on the plus strand (T>C on the coding strand, the complement: ANK3 is on the minus strand). VCF-style: chr10-60071540-A-G. GRCh37 (hg19) VCF-style: chr10-61831298-A-G.
Other names: c.4388-3531T>C (NM_001204403.2); c.4409-3531T>C (NM_001204404.2); c.4406-3531T>C (NM_001320874.2); c.1808-3531T>C (NM_001149.4); short protein forms V3114A.
Identifiers: ClinVar variation 1389405 (VCV001389405.8), dbSNP rs181031970, ClinGen allele CA5511400.

ClinVar aggregate classification (germline): Uncertain significance. Review status: criteria provided, multiple submitters, no conflicts (2 of 4 stars). 2 submissions from 2 submitters: Uncertain significance (2). Last evaluated 2026-01-24.

Allele frequency attached by ClinVar (database versions not stated): gnomAD exomes 0.00004 and 0.00012; ExAC 0.00007; gnomAD 0.00007; TOPMed 0.00020; 1000 Genomes Project 0.00040; 1000 Genomes Project 30x 0.00047.
gnomAD v4.1: 76 of 1,613,878 alleles (0.0047%); highest among the groups gnomAD compares: Admixed American, 0.082%; no homozygotes.

Submissions (2):

Labcorp Genetics (formerly Invitae), Labcorp
Classification: Uncertain significance. Last evaluated: 2026-01-24. Review status: criteria provided, single submitter. Criteria: Invitae Variant Classification Sherloc (09022015). Collection method: clinical testing. Allele origin: germline.
Comment: This sequence change replaces valine, which is neutral and non-polar, with alanine, which is neutral and non-polar, at codon 3114 of the ANK3 protein (p.Val3114Ala). This variant is present in population databases (rs181031970, gnomAD 0.08%). This variant has not been reported in the literature in individuals affected with ANK3-related conditions. ClinVar contains an entry for this variant (Variation ID: 1389405). An algorithm developed to predict the effect of missense changes on protein structure and function outputs the following: PolyPhen-2: "Benign". The alanine amino acid residue is found in multiple mammalian species, which suggests that this missense change does not adversely affect protein function. In summary, the available evidence is currently insufficient to determine the role of this variant in disease. Therefore, it has been classified as a Variant of Uncertain Significance.

Revvity Omics, Revvity
Classification: Uncertain significance. Last evaluated: 2021-05-03. Review status: criteria provided, single submitter. Criteria: ACMG Guidelines, 2015. Collection method: clinical testing. Allele origin: germline.